The following is an entry in ClinVar:

NM_001148.6(ANK2):c.3475C>T (p.Gln1159Ter)

Gene: ANK2 (ankyrin 2; plus strand). Cytogenetic location: 4q26.
Variant type: single nucleotide variant.
Coding change: c.3475C>T on transcript NM_001148.6 (MANE Select); coding-DNA position 3475, C replaced by T.
Protein change: p.Gln1159Ter; replaces glutamine 1159 with a stop codon.
Molecular consequence: nonsense.
Genome position (GRCh38, 1-based): chr4:113,335,941, C>T. VCF-style: chr4-113335941-C-T. GRCh37 (hg19) VCF-style: chr4-114257097-C-T.
Other names: c.3448C>T, p.Gln1150Ter (NM_001127493.3); c.3487C>T, p.Gln1163Ter (NM_001354225.2); c.3376C>T, p.Gln1126Ter (NM_001354228.2, NM_001354258.2); c.3454C>T, p.Gln1152Ter (NM_001354230.2); c.3517C>T, p.Gln1173Ter (NM_001354231.2, NM_001354242.2); c.3511C>T, p.Gln1171Ter (NM_001354232.2); c.3472C>T, p.Gln1158Ter (NM_001354235.2, NM_001354246.2, NM_001354265.2); c.3373C>T, p.Gln1125Ter (NM_001354236.2); and 30 more; short protein forms Q1031*, Q1059*, Q1064*, Q1072*, Q1084*, Q1088*, Q1092*, Q1093*.
Identifiers: ClinVar variation 3772520 (VCV003772520.13).

ClinVar aggregate classification (germline): Likely pathogenic (1 of 4 stars; one submission).

Submission:

CeGaT Center for Human Genetics Tuebingen
Classification: Likely pathogenic. Last evaluated: 2025-02-01. Review status: criteria provided, single submitter. Criteria: CeGaT Center For Human Genetics Tuebingen Variant Classification Criteria Version 2. Collection method: clinical testing. Allele origin: germline. Affected: yes. Observed: 1 variant allele.
Comment: ANK2: PVS1:Strong, PM2